The following is an entry in ClinVar:

ClinVar aggregate classification (germline): Pathogenic (0 of 4 stars; one submission).

Conditions:
Primary hyperoxaluria, type II (HP2). Also called: D-GLYCERATE DEHYDROGENASE DEFICIENCY; GLYCERIC ACIDURIA; GLYOXYLATE REDUCTASE/HYDROXYPYRUVATE REDUCTASE DEFICIENCY; OXALOSIS II; Primary hyperoxaluria type 2. Identifiers: Orphanet 416, Orphanet 93599, MedGen C0268165, MONDO:0009824, OMIM 260000. Disease mechanism: loss of function.

Allele frequency attached by ClinVar (database versions not stated): gnomAD exomes below 0.00001; ExAC 0.00001; TOPMed 0.00001.

Submission:

Clinical Biochemistry Laboratory, Health Services Laboratory
Classification: Pathogenic for Primary hyperoxaluria, type II. Last evaluated: 2014-11-27. Review status: no assertion criteria provided. Collection method: research. Allele origin: germline. Affected: yes.
Comment: Affects same amino acid as 965T>G.

NM_012203.2(GRHPR):c.965T>C (p.Met322Thr)

Gene: GRHPR (glyoxylate and hydroxypyruvate reductase; plus strand). Cytogenetic location: 9p13.2.
Variant type: single nucleotide variant.
Coding change: c.965T>C on transcript NM_012203.2 (MANE Select); coding-DNA position 965, T replaced by C.
Protein change: p.Met322Thr; replaces methionine 322 with threonine.
Molecular consequence: missense variant.
Genome position (GRCh38, 1-based): chr9:37,436,760, T>C. VCF-style: chr9-37436760-T-C. GRCh37 (hg19) VCF-style: chr9-37436757-T-C.
Other names: short protein forms M322T.
Identifiers: ClinVar variation 204240 (VCV000204240.2), dbSNP rs180177325, ClinGen allele CA275901.